The following is an entry in ClinVar:

ClinVar aggregate classification (germline): Uncertain significance (1 of 4 stars; one submission).

Conditions:
Hypertrophic cardiomyopathy. Also called: HYPERTROPHIC MYOCARDIOPATHY. Identifiers: Orphanet 217569, MedGen C0007194, MeSH D002312, MONDO:0005045, HP:0001639.

Submission:

Labcorp Genetics (formerly Invitae), Labcorp
Classification: Uncertain significance for Hypertrophic cardiomyopathy. Last evaluated: 2021-08-03. Review status: criteria provided, single submitter. Criteria: Invitae Variant Classification Sherloc (09022015). Collection method: clinical testing. Allele origin: germline.
Comment: In summary, the available evidence is currently insufficient to determine the role of this variant in disease. Therefore, it has been classified as a Variant of Uncertain Significance. This variant is found within a region of MYH7 between codons 181 and 937 that contains the majority of the myosin head domain. Missense variants in this region have been shown to be significantly overrepresented in individuals with hypertrophic cardiomyopathy (PMID: 27532257). Algorithms developed to predict the effect of missense changes on protein structure and function (SIFT, PolyPhen-2, Align-GVGD) all suggest that this variant is likely to be disruptive. ClinVar contains an entry for this variant (Variation ID: 216364). This variant has been observed in individual(s) with hypertrophic cardiomyopathy (Invitae). This variant is not present in population databases (ExAC no frequency). This sequence change replaces phenylalanine with cysteine at codon 548 of the MYH7 protein (p.Phe548Cys). The phenylalanine residue is highly conserved and there is a large physicochemical difference between phenylalanine and cysteine.

Literature cited by the submitters: PubMed 27532257.

NM_000257.4(MYH7):c.1643T>G (p.Phe548Cys)

Gene: MYH7 (myosin heavy chain 7; minus strand). Cytogenetic location: 14q11.2.
Variant type: single nucleotide variant.
Coding change: c.1643T>G on transcript NM_000257.4 (MANE Select); coding-DNA position 1643, T replaced by G.
Protein change: p.Phe548Cys; replaces phenylalanine 548 with cysteine.
Molecular consequence: missense variant.
Genome position (GRCh38, 1-based): chr14:23,427,830, A>C on the plus strand (T>G on the coding strand, the complement: MYH7 is on the minus strand). VCF-style: chr14-23427830-A-C. GRCh37 (hg19) VCF-style: chr14-23897039-A-C.
Other names: c.1643T>G (LRG_384t1); short protein forms F548C.
Identifiers: ClinVar variation 216364 (VCV000216364.8), dbSNP rs863224646, ClinGen allele CA336651.
Genomic context (GRCh38, chr14:23,427,830, plus strand): 5'-TTGCGTGGCTTCTGGAAGTTGGCGGATTTGCCCAGGTGGTTGTCAAACAGCTTGGCCTTG[A>C]AGGTCATGTCGGTGGCCTTGGGGAACATGCACTCCTCTTCCAGGATGGACATGATGCCCA-3'
Protein context (NP_000248.2, residues 538-558): CMFPKATDMT[Phe548Cys]KAKLFDNHLG